The following is an entry in ClinVar:

ClinVar aggregate classification (germline): Uncertain significance (1 of 4 stars; one submission).

Conditions:
Polyglucosan body myopathy type 1 (PGBM1). Also called: Polyglucosan body myopathy 1 with or without immunodeficiency; POLYGLUCOSAN BODY MYOPATHY WITHOUT IMMUNODEFICIENCY. Identifiers: Orphanet 329173, Orphanet 397937, MedGen C4014605, MONDO:0014389, OMIM 615895.

Submission:

Labcorp Genetics (formerly Invitae), Labcorp
Classification: Uncertain significance for Polyglucosan body myopathy type 1. Last evaluated: 2025-02-10. Review status: criteria provided, single submitter. Criteria: Invitae Variant Classification Sherloc (09022015). Collection method: clinical testing. Allele origin: germline.
Comment: This sequence change replaces arginine, which is basic and polar, with glycine, which is neutral and non-polar, at codon 464 of the RBCK1 protein (p.Arg464Gly). This variant is not present in population databases (gnomAD no frequency). This variant has not been reported in the literature in individuals affected with RBCK1-related conditions. ClinVar contains an entry for this variant (Variation ID: 1715319). Invitae Evidence Modeling of protein sequence and biophysical properties (such as structural, functional, and spatial information, amino acid conservation, physicochemical variation, residue mobility, and thermodynamic stability) has been performed for this missense variant. However, the output from this modeling did not meet the statistical confidence thresholds required to predict the impact of this variant on RBCK1 protein function. In summary, the available evidence is currently insufficient to determine the role of this variant in disease. Therefore, it has been classified as a Variant of Uncertain Significance.

NM_031229.4(RBCK1):c.1390C>G (p.Arg464Gly)

Gene: RBCK1 (RANBP2-type and C3HC4-type zinc finger containing 1; plus strand). Cytogenetic location: 20p13.
Variant type: single nucleotide variant.
Coding change: c.1390C>G on transcript NM_031229.4 (MANE Select); coding-DNA position 1390, C replaced by G.
Protein change: p.Arg464Gly; replaces arginine 464 with glycine.
Molecular consequence: missense variant. On other transcripts: non-coding transcript variant (1).
Genome position (GRCh38, 1-based): chr20:429,032, C>G. VCF-style: chr20-429032-C-G. GRCh37 (hg19) VCF-style: chr20-409676-C-G.
Other names: c.880C>G, p.Arg294Gly (NM_001323956.2, NM_001323958.2); c.1441C>G, p.Arg481Gly (NM_001410770.1); c.1264C>G, p.Arg422Gly (NM_006462.6); short protein forms R294G, R422G, R464G, R481G.
Identifiers: ClinVar variation 1715319 (VCV001715319.5), dbSNP rs145423115, ClinGen allele CA407938564.
Genomic context (GRCh38, chr20:429,032, plus strand): 5'-GCCATGCGCTGCCCCCAGTGCCAGATCGTGGTACAGAAGAAGGACGGCTGCGACTGGATC[C>G]GCTGCACCGTCTGCCACACCGAGATCTGCTGGGTCACCAAGGGCCCACGCTGGGGCCCTG-3'
Protein context (NP_112506.2, residues 454-474): VQKKDGCDWI[Arg464Gly]CTVCHTEICW